The following is an entry in ClinVar:

NM_000965.5(RARB):c.1108A>G (p.Ile370Val)

Gene: RARB (retinoic acid receptor beta; plus strand). Cytogenetic location: 3p24.2.
Variant type: single nucleotide variant.
Coding change: c.1108A>G on transcript NM_000965.5 (MANE Select); coding-DNA position 1108, A replaced by G.
Protein change: p.Ile370Val; replaces isoleucine 370 with valine.
Molecular consequence: missense variant. On other transcripts: non-coding transcript variant (2).
Genome position (GRCh38, 1-based): chr3:25,594,636, A>G. VCF-style: chr3-25594636-A-G. GRCh37 (hg19) VCF-style: chr3-25636127-A-G.
Other names: c.1129A>G, p.Ile377Val (NM_001290216.3); c.772A>G, p.Ile258Val (NM_001290217.2, NM_001290276.2, NM_016152.4); c.961A>G, p.Ile321Val (NM_001290266.2); c.970A>G, p.Ile324Val (NM_001290277.1); c.979A>G, p.Ile327Val (NM_001290300.2); short protein forms I258V, I321V, I324V, I327V, I370V, I377V.
Identifiers: ClinVar variation 4681846 (VCV004681846.5).
Genomic context (GRCh38, chr3:25,594,636, plus strand): 5'-GAAGCACTAAAAATTTATATCAGAAAAAGACGACCCAGCAAGCCTCACATGTTTCCAAAG[A>G]TCTTAATGAAAATCACAGATCTCCGTAGCATCAGTGCTAAAGGTATGTCTTCGTGCTCTC-3'
Protein context (NP_000956.2, residues 360-380): RPSKPHMFPK[Ile370Val]LMKITDLRSI

ClinVar aggregate classification (germline): Uncertain significance (1 of 4 stars; one submission).

Submission:

CeGaT Center for Human Genetics Tuebingen
Classification: Uncertain significance. Last evaluated: 2025-12-01. Review status: criteria provided, single submitter. Criteria: CeGaT Center For Human Genetics Tuebingen Variant Classification Criteria Version 2. Collection method: clinical testing. Allele origin: germline. Affected: yes. Observed: 1 variant allele.
Comment: RARB: PM1, PM2